The following is an entry in ClinVar:

NM_000135.4(FANCA):c.3751T>C (p.Cys1251Arg)

Gene: FANCA (FA complementation group A; minus strand). Cytogenetic location: 16q24.3.
Variant type: single nucleotide variant.
Coding change: c.3751T>C on transcript NM_000135.4 (MANE Select); coding-DNA position 3751, T replaced by C.
Protein change: p.Cys1251Arg; replaces cysteine 1251 with arginine.
Molecular consequence: missense variant.
Genome position (GRCh38, 1-based): chr16:89,742,814, A>G on the plus strand (T>C on the coding strand, the complement: FANCA is on the minus strand). VCF-style: chr16-89742814-A-G. GRCh37 (hg19) VCF-style: chr16-89809222-A-G.
Other names: c.3751T>C, p.Cys1251Arg (NM_001286167.3); short protein forms C1251R.
Identifiers: ClinVar variation 3848077 (VCV003848077.1).

ClinVar aggregate classification (germline): Uncertain significance (1 of 4 stars; one submission).

Conditions:
Inborn genetic diseases. Identifiers: MedGen C0950123, MeSH D030342.

Submission:

Ambry Genetics
Classification: Uncertain significance for Inborn genetic diseases. Last evaluated: 2025-01-03. Review status: criteria provided, single submitter. Criteria: Ambry Variant Classification Scheme 2023. Collection method: clinical testing. Allele origin: germline.
Comment: The p.C1251R variant (also known as c.3751T>C), located in coding exon 37 of the FANCA gene, results from a T to C substitution at nucleotide position 3751. The cysteine at codon 1251 is replaced by arginine, an amino acid with highly dissimilar properties. This amino acid position is conserved. In addition, this alteration is predicted to be tolerated by in silico analysis. Based on the available evidence, the clinical significance of this variant remains unclear.